The following is an entry in ClinVar:

NM_001244008.2(KIF1A):c.4369C>T (p.Arg1457Trp)

Gene: KIF1A (kinesin family member 1A; minus strand). Cytogenetic location: 2q37.3.
Variant type: single nucleotide variant.
Coding change: c.4369C>T on transcript NM_001244008.2 (MANE Select); coding-DNA position 4369, C replaced by T.
Protein change: p.Arg1457Trp; replaces arginine 1457 with tryptophan.
Molecular consequence: missense variant.
Genome position (GRCh38, 1-based): chr2:240,723,508, G>A on the plus strand (C>T on the coding strand, the complement: KIF1A is on the minus strand). VCF-style: chr2-240723508-G-A. GRCh37 (hg19) VCF-style: chr2-241662925-G-A.
Other names: c.4066C>T (NM_004321.6); c.4093C>T, p.Arg1365Trp (NM_001320705.2, NM_001379649.1); c.4120C>T, p.Arg1374Trp (NM_001330289.2); c.4168C>T, p.Arg1390Trp (NM_001330290.2, NM_001379648.1); c.4444C>T, p.Arg1482Trp (NM_001379631.1); c.4345C>T, p.Arg1449Trp (NM_001379632.1); c.4342C>T, p.Arg1448Trp (NM_001379633.1, NM_001379645.1); c.4195C>T, p.Arg1399Trp (NM_001379634.1); and 8 more; short protein forms R1365W, R1373W, R1448W, R1449W, R1364W, R1381W, R1399W, R1482W.
Identifiers: ClinVar variation 1481114 (VCV001481114.9), dbSNP rs2125604949, ClinGen allele CA351305429.

ClinVar aggregate classification (germline): Uncertain significance. Review status: criteria provided, multiple submitters, no conflicts (2 of 4 stars). 2 submissions from 2 submitters: Uncertain significance (2). Last evaluated 2024-05-08.

Conditions:
Hereditary spastic paraplegia 30. Identifiers: Orphanet 101010, MedGen C5235139, MONDO:0012476.
Neuropathy, hereditary sensory, type 2C. Also called: KIF1A-Related HSAN2 (HSAN2C); Hereditary sensory and autonomic neuropathy type IIC. Identifiers: Orphanet 970, MedGen C3280168, MONDO:0013634, OMIM 614213.
Intellectual disability, autosomal dominant 9 (NESCAVS). Also called: KIF1A-Related Neurodevelopmental Disorder; NESCAV SYNDROME. Identifiers: Orphanet 662367, MedGen C5393830, MONDO:0013656, OMIM 614255.

Allele frequency attached by ClinVar (database versions not stated): gnomAD exomes below 0.00001.
gnomAD v4.1: 1 of 1,552,268 alleles (0.000064%); highest among the groups gnomAD compares: Non-Finnish European, 0.000087%; no homozygotes.

Submissions (2):

GeneDx
Classification: Uncertain significance. Last evaluated: 2024-05-08. Review status: criteria provided, single submitter. Criteria: GeneDx Variant Classification Process June 2021. Collection method: clinical testing. Allele origin: germline. Affected: yes.
Comment: Not observed in large population cohorts (gnomAD); In silico analysis supports that this missense variant has a deleterious effect on protein structure/function; Has not been previously published as pathogenic or benign to our knowledge

Labcorp Genetics (formerly Invitae), Labcorp
Classification: Uncertain significance for Hereditary spastic paraplegia 30; Neuropathy, hereditary sensory, type 2C; Intellectual disability, autosomal dominant 9. Last evaluated: 2024-02-10. Review status: criteria provided, single submitter. Criteria: Invitae Variant Classification Sherloc (09022015). Collection method: clinical testing. Allele origin: germline.
Comment: This sequence change replaces arginine, which is basic and polar, with tryptophan, which is neutral and slightly polar, at codon 1356 of the KIF1A protein (p.Arg1356Trp). This variant is not present in population databases (gnomAD no frequency). This variant has not been reported in the literature in individuals affected with KIF1A-related conditions. ClinVar contains an entry for this variant (Variation ID: 1481114). Advanced modeling of protein sequence and biophysical properties (such as structural, functional, and spatial information, amino acid conservation, physicochemical variation, residue mobility, and thermodynamic stability) performed at Invitae indicates that this missense variant is not expected to disrupt KIF1A protein function with a negative predictive value of 95%. In summary, the available evidence is currently insufficient to determine the role of this variant in disease. Therefore, it has been classified as a Variant of Uncertain Significance.